The following is an entry in ClinVar:

ClinVar aggregate classification (germline): Uncertain significance (1 of 4 stars; one submission).

Submission:

Labcorp Genetics (formerly Invitae), Labcorp
Classification: Uncertain significance. Last evaluated: 2025-08-30. Review status: criteria provided, single submitter. Criteria: Invitae Variant Classification Sherloc (09022015). Collection method: clinical testing. Allele origin: germline.
Comment: This sequence change replaces glutamine, which is neutral and polar, with arginine, which is basic and polar, at codon 545 of the CTNNB1 protein (p.Gln545Arg). This variant is not present in population databases (gnomAD no frequency). This variant has not been reported in the literature in individuals affected with CTNNB1-related conditions. Invitae Evidence Modeling of protein sequence and biophysical properties (such as structural, functional, and spatial information, amino acid conservation, physicochemical variation, residue mobility, and thermodynamic stability) indicates that this missense variant is expected to disrupt CTNNB1 protein function with a positive predictive value of 80%. In summary, the available evidence is currently insufficient to determine the role of this variant in disease. Therefore, it has been classified as a Variant of Uncertain Significance.

NM_001904.4(CTNNB1):c.1634A>G (p.Gln545Arg)

Genes: CTNNB1 (catenin beta 1; plus strand), LOC126806659 (BRD4-independent group 4 enhancer GRCh37_chr3:41274918-41276117; plus strand). Cytogenetic location: 3p22.1.
Variant type: single nucleotide variant.
Coding change: c.1634A>G on transcript NM_001904.4 (MANE Select); coding-DNA position 1634, A replaced by G.
Protein change: p.Gln545Arg; replaces glutamine 545 with arginine.
Molecular consequence: missense variant.
Genome position (GRCh38, 1-based): chr3:41,234,248, A>G. VCF-style: chr3-41234248-A-G. GRCh37 (hg19) VCF-style: chr3-41275739-A-G.
Other names: c.1634A>G, p.Gln545Arg (NM_001098209.2, NM_001098210.2, NM_001438871.1 and 4 more transcripts); c.1613A>G, p.Gln538Arg (NM_001330729.2); short protein forms Q545R, Q538R.
Identifiers: ClinVar variation 4690855 (VCV004690855.1).